The following is an entry in ClinVar:

NM_000400.4(ERCC2):c.1007dup (p.Leu337fs)

Gene: ERCC2 (ERCC excision repair 2, TFIIH core complex helicase subunit; minus strand). Cytogenetic location: 19q13.32.
Variant type: Duplication.
Coding change: c.1007dup on transcript NM_000400.4 (MANE Select); coding-DNA position 1007, one base duplicated (T; older notation c.1007dupT).
Protein change: p.Leu337fs; shifts the reading frame from leucine 337.
Molecular consequence: frameshift variant.
Genome position (GRCh38, 1-based): chr19:45,363,854, A duplicated on the plus strand (T on the coding strand, the reverse complement: ERCC2 is on the minus strand). VCF-style (leftmost placement, unchanged base first): chr19-45363853-C-CA. GRCh37 (hg19) VCF-style: chr19-45867111-C-CA.
Other names: c.935dup, p.Leu313fs (NM_001130867.2); short protein forms L313fs, L337fs.
Identifiers: ClinVar variation 1319444 (VCV001319444.6), dbSNP rs2123286013, ClinGen allele CA2573054790.
Genomic context (GRCh38, chr19:45,363,853, plus strand): 5'-GGCGGGCGGGCTCTCCTGCACCACATGCTGCACACGCAGCCGCCACTTCACGTACTCCAG[C>CA]AGCCGCCTCAGGAAGCCCAGGAAATGCTCGGCCGTGCGGATGGAGCCAGGCACTGCCTCT-3'

ClinVar aggregate classification (germline): Pathogenic/Likely pathogenic. Review status: criteria provided, multiple submitters, no conflicts (2 of 4 stars). 4 submissions from 4 submitters: Pathogenic (2); Likely pathogenic (2). Last evaluated 2025-10-04.

Conditions:
ERCC2-related disorder. Also called: ERCC2-related disorders; ERCC2-related conditions; ERCC2-related condition. Identifiers: MedGen CN239291.
Cerebrooculofacioskeletal syndrome 2 (COFS2). Identifiers: MedGen C1853102, MONDO:0012553, OMIM 610756.
Xeroderma pigmentosum, group D (XPD). Also called: ERCC2-Related Xeroderma Pigmentosum; XERODERMA PIGMENTOSUM, COMPLEMENTATION GROUP D; XERODERMA PIGMENTOSUM IV; XP, GROUP D; XP, GROUP H. Identifiers: MedGen C0268138, MONDO:0010212, OMIM 278730.
Trichothiodystrophy 1, photosensitive (TTD1). Also called: TAY SYNDROME; TRICHOTHIODYSTROPHY WITH CONGENITAL ICHTHYOSIS; PIBIDS SYNDROME. Identifiers: Orphanet 33364, MedGen C1866504, MONDO:0011125, OMIM 601675.

Allele frequency attached by ClinVar (database versions not stated): gnomAD exomes below 0.00001.

Submissions (4):

Myriad Genetics, Inc.
Classification: Pathogenic for ERCC2-related disorder. Last evaluated: 2025-10-04. Review status: criteria provided, single submitter. Criteria: Myriad Autosomal Dominant, Autosomal Recessive and X-Linked Classification Criteria (2023). Collection method: clinical testing. Allele origin: unknown.
Comment: NM_000400.3(ERCC2):c.1007dupT(L337Afs*41) is expected to be pathogenic in the context of ERCC2-related disorders. This variant is predicted to lead to an abnormal or absent protein product due to the creation of a premature termination codon in ERCC2, a gene where loss-of-function variants are known to be pathogenic. Please note: this variant was assessed in the context of healthy population screening.

Fulgent Genetics
Classification: Likely pathogenic for Xeroderma pigmentosum, group D; Trichothiodystrophy 1, photosensitive; Cerebrooculofacioskeletal syndrome 2. Last evaluated: 2024-05-29. Review status: criteria provided, single submitter. Criteria: ACMG Guidelines, 2015. Collection method: clinical testing. Allele origin: germline.

Baylor Genetics
Classification: Likely pathogenic for Cerebrooculofacioskeletal syndrome 2. Last evaluated: 2022-10-18. Review status: criteria provided, single submitter. Criteria: ACMG Guidelines, 2015. Collection method: clinical testing. Allele origin: unknown.

Institute for Clinical Genetics, University Hospital TU Dresden, University Hospital TU Dresden
Classification: Pathogenic. Last evaluated: 2021-11-03. Review status: criteria provided, single submitter. Criteria: ACMG Guidelines, 2015. Collection method: clinical testing. Allele origin: germline.